The following is an entry in ClinVar:

NM_000075.4(CDK4):c.199G>C (p.Glu67Gln)

Genes: CDK4 (cyclin dependent kinase 4; minus strand), LOC130008148 (ATAC-STARR-seq lymphoblastoid silent region 4588; plus strand). Cytogenetic location: 12q14.1.
Variant type: single nucleotide variant.
Coding change: c.199G>C on transcript NM_000075.4 (MANE Select); coding-DNA position 199, G replaced by C.
Protein change: p.Glu67Gln; replaces glutamic acid 67 with glutamine.
Molecular consequence: missense variant.
Genome position (GRCh38, 1-based): chr12:57,751,519, C>G on the plus strand (G>C on the coding strand, the complement: CDK4 is on the minus strand). VCF-style: chr12-57751519-C-G. GRCh37 (hg19) VCF-style: chr12-58145302-C-G.
Other names: short protein forms E67Q.
Identifiers: ClinVar variation 4709987 (VCV004709987.1).

ClinVar aggregate classification (germline): Uncertain significance (1 of 4 stars; one submission).

Conditions:
Familial melanoma. Also called: Hereditary melanoma; Hereditary cutaneous melanoma. Identifiers: Orphanet 618, MedGen C1512419, MONDO:0018961.

Submission:

Labcorp Genetics (formerly Invitae), Labcorp
Classification: Uncertain significance for Familial melanoma. Last evaluated: 2025-09-14. Review status: criteria provided, single submitter. Criteria: Invitae Variant Classification Sherloc (09022015). Collection method: clinical testing. Allele origin: germline.
Comment: This sequence change replaces glutamic acid, which is acidic and polar, with glutamine, which is neutral and polar, at codon 67 of the CDK4 protein (p.Glu67Gln). This variant is not present in population databases (gnomAD no frequency). This missense change has been observed in individual(s) with squamous cell carcinoma of head and neck (PMID: 22932448). Invitae Evidence Modeling of protein sequence and biophysical properties (such as structural, functional, and spatial information, amino acid conservation, physicochemical variation, residue mobility, and thermodynamic stability) indicates that this missense variant is not expected to disrupt CDK4 protein function with a negative predictive value of 95%. In summary, the available evidence is currently insufficient to determine the role of this variant in disease. Therefore, it has been classified as a Variant of Uncertain Significance.

Literature cited by the submitters: PubMed 22932448.